The following is an entry in ClinVar:

ClinVar aggregate classification (germline): Uncertain significance (1 of 4 stars; one submission).

gnomAD v4.1: 1 of 1,510,260 alleles (0.000066%); highest among the groups gnomAD compares: Non-Finnish European, 0.000088%; no homozygotes.

Submission:

GeneDx
Classification: Uncertain significance. Last evaluated: 2024-02-04. Review status: criteria provided, single submitter. Criteria: GeneDx Variant Classification Process June 2021. Collection method: clinical testing. Allele origin: germline. Affected: yes.
Comment: Not observed at significant frequency in large population cohorts (gnomAD); In silico analysis supports that this missense variant has a deleterious effect on protein structure/function; Has not been previously published as pathogenic or benign to our knowledge

NM_000836.4(GRIN2D):c.2674G>A (p.Gly892Ser)

Gene: GRIN2D (glutamate ionotropic receptor NMDA type subunit 2D; plus strand). Cytogenetic location: 19q13.33.
Variant type: single nucleotide variant.
Coding change: c.2674G>A on transcript NM_000836.4 (MANE Select); coding-DNA position 2674, G replaced by A.
Protein change: p.Gly892Ser; replaces glycine 892 with serine.
Molecular consequence: missense variant.
Genome position (GRCh38, 1-based): chr19:48,442,600, G>A. VCF-style: chr19-48442600-G-A. GRCh37 (hg19) VCF-style: chr19-48945857-G-A.
Other names: short protein forms G892S.
Identifiers: ClinVar variation 3368630 (VCV003368630.1).